The following is an entry in ClinVar:

ClinVar aggregate classification (germline): Uncertain significance. Review status: criteria provided, multiple submitters, no conflicts (2 of 4 stars). 3 submissions from 3 submitters: Uncertain significance (3). Last evaluated 2025-10-01.

Conditions:
Arrhythmogenic right ventricular cardiomyopathy (ARVD). Also called: Arrhythmogenic right ventricular dysplasia; Cardiomyopathy, ARVC; Arrhythmogenic cardiomyopathy; Arrhythmogenic Right Ventricular Cardiomyopathy (ARVC). Identifiers: Orphanet 247, MedGen C0349788, MeSH D019571, MONDO:0016587. Disease mechanism: loss of function. Inheritance: Various modes of inheritance.
Cardiovascular phenotype. Identifiers: MedGen CN230736.
Arrhythmogenic right ventricular dysplasia 10. Also called: ARRHYTHMOGENIC RIGHT VENTRICULAR DYSPLASIA, FAMILIAL, 10; Arrhythmogenic Right Ventricular Dysplasia/Cardiomyopathy10; Arrhythmogenic right ventricular dysplasia/cardiomyopathy, type 10. Identifiers: MedGen C1857777, MONDO:0012434, OMIM 610193.

Allele frequency attached by ClinVar (database versions not stated): gnomAD exomes below 0.00001.
gnomAD v4.1: 1 of 1,611,238 alleles (0.000062%); highest among the groups gnomAD compares: Non-Finnish European, 0.000085%; no homozygotes.

Submissions (3):

Ambry Genetics
Classification: Uncertain significance for Cardiovascular phenotype. Last evaluated: 2025-10-01. Review status: criteria provided, single submitter. Criteria: Ambry Variant Classification Scheme 2023. Collection method: clinical testing. Allele origin: germline.
Comment: The p.V470A variant (also known as c.1409T>C), located in coding exon 10 of the DSG2 gene, results from a T to C substitution at nucleotide position 1409. The valine at codon 470 is replaced by alanine, an amino acid with similar properties. This amino acid position is poorly conserved in available vertebrate species. In addition, this alteration is predicted to be tolerated by in silico analysis. Based on the available evidence, the clinical significance of this variant remains unclear.

All of Us Research Program, National Institutes of Health
Classification: Uncertain significance for Arrhythmogenic right ventricular cardiomyopathy. Last evaluated: 2024-03-05. Review status: criteria provided, single submitter. Criteria: ACMG Guidelines, 2015. Collection method: clinical testing. Allele origin: germline. Inheritance: Autosomal dominant inheritance. Observed: 2 variant alleles, 2 heterozygotes.
Comment: This missense variant replaces valine with alanine at codon 470 of the DSG2 protein. Computational prediction suggests that this variant may not impact protein structure and function (internally defined REVEL score threshold <= 0.5, PMID: 27666373). To our knowledge, functional studies have not been reported for this variant. This variant has not been reported in individuals affected with DSG2-related disorders in the literature. This variant has not been identified in the general population by the Genome Aggregation Database (gnomAD). The available evidence is insufficient to determine the role of this variant in disease conclusively. Therefore, this variant is classified as a Variant of Uncertain Significance.

This study involves interpretation of variants in research participants for the purpose of population health screening. Participant phenotype was not available at the time of variant classification. Additional details can be found in publication PMID: 35346344, PMCID: PMC8962531

Labcorp Genetics (formerly Invitae), Labcorp
Classification: Uncertain significance for Arrhythmogenic right ventricular dysplasia 10. Last evaluated: 2021-08-13. Review status: criteria provided, single submitter. Criteria: Invitae Variant Classification Sherloc (09022015). Collection method: clinical testing. Allele origin: germline.
Comment: This sequence change replaces valine with alanine at codon 470 of the DSG2 protein (p.Val470Ala). The valine residue is moderately conserved and there is a small physicochemical difference between valine and alanine. This variant is not present in population databases (ExAC no frequency). This variant has not been reported in the literature in individuals affected with DSG2-related conditions. Algorithms developed to predict the effect of missense changes on protein structure and function are either unavailable or do not agree on the potential impact of this missense change (SIFT: "Tolerated"; PolyPhen-2: "Benign"; Align-GVGD: "Class C25"). In summary, the available evidence is currently insufficient to determine the role of this variant in disease. Therefore, it has been classified as a Variant of Uncertain Significance.

NM_001943.5(DSG2):c.1409T>C (p.Val470Ala)

Gene: DSG2 (desmoglein 2; plus strand). Cytogenetic location: 18q12.1.
Variant type: single nucleotide variant.
Coding change: c.1409T>C on transcript NM_001943.5 (MANE Select); coding-DNA position 1409, T replaced by C.
Protein change: p.Val470Ala; replaces valine 470 with alanine.
Molecular consequence: missense variant.
Genome position (GRCh38, 1-based): chr18:31,535,398, T>C. VCF-style: chr18-31535398-T-C. GRCh37 (hg19) VCF-style: chr18-29115361-T-C.
Other names: short protein forms V470A.
Identifiers: ClinVar variation 2413344 (VCV002413344.6), dbSNP rs2510917367, ClinGen allele CA402140553.